The following is an entry in ClinVar:

NM_152703.5(SAMD9L):c.2787C>G (p.Ser929Arg)

Gene: SAMD9L (sterile alpha motif domain containing 9 like; minus strand). Cytogenetic location: 7q21.2.
Variant type: single nucleotide variant.
Coding change: c.2787C>G on transcript NM_152703.5 (MANE Select); coding-DNA position 2787, C replaced by G.
Protein change: p.Ser929Arg; replaces serine 929 with arginine.
Molecular consequence: missense variant.
Genome position (GRCh38, 1-based): chr7:93,133,185, G>C on the plus strand (C>G on the coding strand, the complement: SAMD9L is on the minus strand). VCF-style: chr7-93133185-G-C. GRCh37 (hg19) VCF-style: chr7-92762498-G-C.
Other names: c.2787C>G, p.Ser929Arg (NM_001350085.2, NM_001303496.3, NM_001303497.3 and 5 more transcripts); short protein forms S929R.
Identifiers: ClinVar variation 4630001 (VCV004630001.1).

ClinVar aggregate classification (germline): Uncertain significance (1 of 4 stars; one submission).

Conditions:
Inborn genetic diseases. Identifiers: MedGen C0950123, MeSH D030342.

Submission:

Ambry Genetics
Classification: Uncertain significance for Inborn genetic diseases. Last evaluated: 2025-09-17. Review status: criteria provided, single submitter. Criteria: Ambry Variant Classification Scheme 2023. Collection method: clinical testing. Allele origin: germline.
Comment: The p.S929R variant (also known as c.2787C>G), located in coding exon 1 of the SAMD9L gene, results from a C to G substitution at nucleotide position 2787. The serine at codon 929 is replaced by arginine, an amino acid with dissimilar properties. This amino acid position is conserved. In addition, this alteration is predicted to be tolerated by in silico analysis. Based on the available evidence, the clinical significance of this variant remains unclear.